The following is an entry in ClinVar:

ClinVar aggregate classification (germline): Pathogenic (1 of 4 stars; one submission).

Submission:

GeneDx
Classification: Pathogenic. Last evaluated: 2017-06-29. Review status: criteria provided, single submitter. Criteria: GeneDx Variant Classification (06012015). Collection method: clinical testing. Allele origin: germline. Affected: yes.
Comment: The G59X variant in the GPC3 gene has not been reported previously as a pathogenic variant nor as a benign variant, to our knowledge. This variant is predicted to cause loss of normal protein function either through protein truncation or nonsense-mediated mRNA decay. The G59X variant is not observed in large population cohorts (Lek et al., 2016; 1000 Genomes Consortium et al., 2015; Exome Variant Server). We interpret G59X as a pathogenic variant.

NM_004484.4(GPC3):c.175G>T (p.Gly59Ter)

Gene: GPC3 (glypican 3; minus strand). Cytogenetic location: Xq26.2.
Variant type: single nucleotide variant.
Coding change: c.175G>T on transcript NM_004484.4 (MANE Select); coding-DNA position 175, G replaced by T.
Protein change: p.Gly59Ter; replaces glycine 59 with a stop codon.
Molecular consequence: nonsense.
Genome position (GRCh38, 1-based): chrX:133,985,275, C>A on the plus strand (G>T on the coding strand, the complement: GPC3 is on the minus strand). VCF-style: chrX-133985275-C-A. GRCh37 (hg19) VCF-style: chrX-133119302-C-A.
Other names: c.175G>T, p.Gly59Ter (NM_001164617.2, NM_001164618.2); c.175G>T, p.Glu59Ter (NM_001164619.2); short protein forms G59*, E59*.
Identifiers: ClinVar variation 372372 (VCV000372372.2), dbSNP rs1057517739, ClinGen allele CA16043214.